The following is an entry in ClinVar:

ClinVar aggregate classification (germline): Likely benign. Review status: criteria provided, single submitter (1 of 4 stars). 2 submissions from 2 submitters: Likely benign (1). 1 of the submissions does not count toward it. Last evaluated 2025-01-27.

Conditions:
KPNA7-related disorder. Also called: KPNA7-related condition.

Allele frequency attached by ClinVar (database versions not stated): gnomAD 0.00001; TOPMed 0.00002; gnomAD exomes 0.00003.

Submissions (2):

Labcorp Genetics (formerly Invitae), Labcorp
Classification: Likely benign. Last evaluated: 2025-01-27. Review status: criteria provided, single submitter. Criteria: Invitae Variant Classification Sherloc (09022015). Collection method: clinical testing. Allele origin: germline.

PreventionGenetics, part of Exact Sciences
Classification: Likely benign for KPNA7-related condition. Last evaluated: 2019-03-04. Review status: no assertion criteria provided. Collection method: clinical testing. Allele origin: germline. Not counted in ClinVar's aggregate classification.
Comment: This variant is classified as likely benign based on ACMG/AMP sequence variant interpretation guidelines (Richards et al. 2015 PMID: 25741868, with internal and published modifications).

NM_001145715.3(KPNA7):c.67-6C>T

Gene: KPNA7 (karyopherin subunit alpha 7; minus strand). Cytogenetic location: 7q22.1.
Variant type: single nucleotide variant.
Coding change: c.67-6C>T on transcript NM_001145715.3 (MANE Select); 6 bases into the intron before coding-DNA position 67, C replaced by T.
Molecular consequence: intron variant.
Genome position (GRCh38, 1-based): chr7:99,203,246, G>A on the plus strand (C>T on the coding strand, the complement: KPNA7 is on the minus strand). VCF-style: chr7-99203246-G-A. GRCh37 (hg19) VCF-style: chr7-98800869-G-A.
Other names: c.67-6C>T (NM_001145715.2).
Identifiers: ClinVar variation 2738405 (VCV002738405.5), dbSNP rs755764756, ClinGen allele CA163747585.
Genomic context (GRCh38, chr7:99,203,246, plus strand): 5'-CTTTCTTGGCCTTTCGGAGCTCCAGACTGACCGCCATCCTCTGCTGTCGCCTCAGCTAGT[G>A]AGGAAAAGAAATTGGAGCATTTAGAACCAGGAGTGGGGATGTCACATTTAGTCTGTCAAA-3'